The following is an entry in ClinVar:

NM_001367561.1(DOCK7):c.1609A>G (p.Ser537Gly)

Gene: DOCK7 (dedicator of cytokinesis 7; minus strand). Cytogenetic location: 1p31.3.
Variant type: single nucleotide variant.
Coding change: c.1609A>G on transcript NM_001367561.1 (MANE Select); coding-DNA position 1609, A replaced by G.
Protein change: p.Ser537Gly; replaces serine 537 with glycine.
Molecular consequence: missense variant.
Genome position (GRCh38, 1-based): chr1:62,618,779, T>C on the plus strand (A>G on the coding strand, the complement: DOCK7 is on the minus strand). VCF-style: chr1-62618779-T-C. GRCh37 (hg19) VCF-style: chr1-63084450-T-C.
Other names: c.1609A>G, p.Ser537Gly (NM_001271999.2, NM_001272000.2, NM_001272001.2 and 3 more transcripts); short protein forms S537G.
Identifiers: ClinVar variation 1047156 (VCV001047156.7), dbSNP rs757833161, ClinGen allele CA886905.

ClinVar aggregate classification (germline): Uncertain significance (1 of 4 stars; one submission).

Conditions:
Developmental and epileptic encephalopathy, 23 (DEE23). Also called: Epileptic encephalopathy, early infantile, 23. Identifiers: Orphanet 411986, MedGen C4014492, MONDO:0014371, OMIM 615859.

Allele frequency attached by ClinVar (database versions not stated): ExAC 0.00001; gnomAD exomes 0.00001 and 0.00002; gnomAD 0.00003; TOPMed 0.00003.
gnomAD v4.1: 14 of 1,613,652 alleles (0.00087%); highest among the groups gnomAD compares: Admixed American, 0.018%; no homozygotes.

Submission:

Labcorp Genetics (formerly Invitae), Labcorp
Classification: Uncertain significance for Developmental and epileptic encephalopathy, 23. Last evaluated: 2024-07-12. Review status: criteria provided, single submitter. Criteria: Invitae Variant Classification Sherloc (09022015). Collection method: clinical testing. Allele origin: germline.
Comment: This sequence change replaces serine, which is neutral and polar, with glycine, which is neutral and non-polar, at codon 537 of the DOCK7 protein (p.Ser537Gly). This variant is present in population databases (rs757833161, gnomAD 0.01%). This variant has not been reported in the literature in individuals affected with DOCK7-related conditions. ClinVar contains an entry for this variant (Variation ID: 1047156). Advanced modeling of protein sequence and biophysical properties (such as structural, functional, and spatial information, amino acid conservation, physicochemical variation, residue mobility, and thermodynamic stability) performed at Invitae indicates that this missense variant is not expected to disrupt DOCK7 protein function with a negative predictive value of 80%. In summary, the available evidence is currently insufficient to determine the role of this variant in disease. Therefore, it has been classified as a Variant of Uncertain Significance.